The following is an entry in ClinVar:

ClinVar aggregate classification (germline): Conflicting classifications of pathogenicity. Review status: criteria provided, conflicting classifications (1 of 4 stars). 2 submissions from 2 submitters: Uncertain significance (1); Benign (1). Last evaluated 2024-08-08.

Conditions:
Cardiovascular phenotype. Identifiers: MedGen CN230736.
Primary familial hypertrophic cardiomyopathy (HCM). Identifiers: Orphanet 99739, MedGen C0949658, MeSH D024741, MONDO:0024573. Inheritance: Various modes of inheritance.
Dilated cardiomyopathy 1AA (CMD1AA). Also called: CARDIOMYOPATHY, DILATED, 1AA, WITH OR WITHOUT LEFT VENTRICULAR NONCOMPACTION; CARDIOMYOPATHY, FAMILIAL HYPERTROPHIC, 23, WITH OR WITHOUT LEFT VENTRICULAR NONCOMPACTION; Cardiomyopathy, dilated, 1AA, with or without LVNC. Identifiers: Orphanet 154, MedGen C2677338, MONDO:0012808, OMIM 612158.

Allele frequency attached by ClinVar (database versions not stated): gnomAD 0.00001; gnomAD exomes 0.00002; ExAC 0.00003; TOPMed 0.00003; ESP Exome Variant Server 0.00023.
gnomAD v4.1: 2 of 1,614,014 alleles (0.00012%); highest among the groups gnomAD compares: African/African-American, 0.0027%; no homozygotes.

Submissions (2):

Ambry Genetics
Classification: Uncertain significance for Cardiovascular phenotype. Last evaluated: 2024-08-08. Review status: criteria provided, single submitter. Criteria: Ambry Variant Classification Scheme 2023. Collection method: clinical testing. Allele origin: germline.
Comment: The p.N170H variant (also known as c.508A>C), located in coding exon 5 of the ACTN2 gene, results from an A to C substitution at nucleotide position 508. The asparagine at codon 170 is replaced by histidine, an amino acid with similar properties. This alteration has been reported in a hypertrophic cardiomyopathy cohort (Seidelmann SB et al. Circ Cardiovasc Genet, 2017 Feb;10:[ePub ahead of print]). This amino acid position is highly conserved in available vertebrate species. In addition, the in silico prediction for this alteration is inconclusive. Based on the available evidence, the clinical significance of this variant remains unclear.

Labcorp Genetics (formerly Invitae), Labcorp
Classification: Benign for Primary familial hypertrophic cardiomyopathy; Dilated cardiomyopathy 1AA. Last evaluated: 2022-08-16. Review status: criteria provided, single submitter. Criteria: Invitae Variant Classification Sherloc (09022015). Collection method: clinical testing. Allele origin: germline.

Literature cited by the submitters: PubMed 28087566 (cited by Ambry Genetics).

NM_001103.4(ACTN2):c.508A>C (p.Asn170His)

Gene: ACTN2 (actinin alpha 2; plus strand). Cytogenetic location: 1q43.
Variant type: single nucleotide variant.
Coding change: c.508A>C on transcript NM_001103.4 (MANE Select); coding-DNA position 508, A replaced by C.
Protein change: p.Asn170His; replaces asparagine 170 with histidine.
Molecular consequence: missense variant. On other transcripts: 5 prime UTR variant (1).
Genome position (GRCh38, 1-based): chr1:236,725,992, A>C. VCF-style: chr1-236725992-A-C. GRCh37 (hg19) VCF-style: chr1-236889292-A-C.
Other names: c.508A>C, p.Asn170His (NM_001278343.2); c.-314A>C (NM_001278344.2); c.508A>C (NM_001103.2); short protein forms N170H.
Identifiers: ClinVar variation 653210 (VCV000653210.10), dbSNP rs148954170, ClinGen allele CA1472810.